The following is an entry in ClinVar:

ClinVar aggregate classification (germline): Uncertain significance (1 of 4 stars; one submission).

Allele frequency attached by ClinVar (database versions not stated): TOPMed below 0.00001; ExAC 0.00001; gnomAD exomes 0.00001.
gnomAD v4.1: 7 of 1,613,366 alleles (0.00043%); highest among the groups gnomAD compares: Admixed American, 0.01%; no homozygotes.

Submission:

Labcorp Genetics (formerly Invitae), Labcorp
Classification: Uncertain significance. Last evaluated: 2022-05-12. Review status: criteria provided, single submitter. Criteria: Invitae Variant Classification Sherloc (09022015). Collection method: clinical testing. Allele origin: germline.
Comment: This sequence change replaces arginine, which is basic and polar, with glycine, which is neutral and non-polar, at codon 118 of the C7 protein (p.Arg118Gly). This variant is present in population databases (rs762776940, gnomAD 0.009%). This variant has not been reported in the literature in individuals affected with C7-related conditions. Algorithms developed to predict the effect of missense changes on protein structure and function output the following: SIFT: "Deleterious"; PolyPhen-2: "Benign"; Align-GVGD: "Class C0". The glycine amino acid residue is found in multiple mammalian species, which suggests that this missense change does not adversely affect protein function. In summary, the available evidence is currently insufficient to determine the role of this variant in disease. Therefore, it has been classified as a Variant of Uncertain Significance.

NM_000587.4(C7):c.352A>G (p.Arg118Gly)

Gene: C7 (complement C7; plus strand). Cytogenetic location: 5p13.1.
Variant type: single nucleotide variant.
Coding change: c.352A>G on transcript NM_000587.4 (MANE Select); coding-DNA position 352, A replaced by G.
Protein change: p.Arg118Gly; replaces arginine 118 with glycine.
Molecular consequence: missense variant.
Genome position (GRCh38, 1-based): chr5:40,936,409, A>G. VCF-style: chr5-40936409-A-G. GRCh37 (hg19) VCF-style: chr5-40936511-A-G.
Other names: short protein forms R118G.
Identifiers: ClinVar variation 1445105 (VCV001445105.5), dbSNP rs762776940, ClinGen allele CA3249612.